The following is an entry in ClinVar:

NM_001040108.2(MLH3):c.4012-5_4048del

Gene: MLH3 (mutL homolog 3; minus strand). Cytogenetic location: 14q24.3.
Variant type: Deletion.
Coding change: c.4012-5_4048del on transcript NM_001040108.2 (MANE Select); 5 bases into the intron before coding-DNA position 4012 through coding-DNA position 4048, 42 bases deleted.
Molecular consequence: splice acceptor variant.
Genome position (GRCh38, 1-based): chr14:75,022,856-75,022,897, 42 bases deleted; deleting any 42 consecutive bases within chr14:75,022,856-75,022,900 gives the same sequence; the c. name uses the placement nearest the transcript's 3' end. GRCh37 (hg19): chr14:75,489,562-75,489,603.
Other names: c.3940-5_3976del (NM_014381.3).
Identifiers: ClinVar variation 3295100 (VCV003295100.1).
Genomic context (GRCh38, chr14:75,022,855, plus strand): 5'-GCTATGTTGAAGGGCTTACCATGGCAGGCTTGGGATGCCAACACCTTCTGGACAGTCAGT[GGCAATGTCCCTTGGATGCCTCCGGTGGTCTGGAGTAGCTAAT>G]GCATAAACACGTTATTAACAGGAAAAGAAAACGGAACAACGAAGCCTTTTATGTGTGGTG-3'

ClinVar aggregate classification (germline): Uncertain significance (1 of 4 stars; one submission).

Submission:

Ambry Genetics
Classification: Uncertain significance. Last evaluated: 2024-04-24. Review status: criteria provided, single submitter. Criteria: Ambry Variant Classification Scheme 2023. Collection method: clinical testing. Allele origin: germline.
Comment: The c.4012-5_4048del42 variant results from a deletion of 42 nucleotides between nucleotide positions 4012-5 and 4048 and involves the canonical splice acceptor site before coding exon 10 of the MLH3 gene. The canonical splice acceptor site is highly conserved in available vertebrate species. In silico splice site analysis predicts that this alteration will weaken the native splice acceptor site; however, the exact impact of this deletion on MLH3 splicing and function is currently unknown. Alterations that disrupt the canonical splice site are expected to cause aberrant splicing, resulting in an abnormal protein or a transcript that is subject to nonsense-mediated mRNA decay. However, the evidence for this gene-disease relationship is limited; therefore, the clinical significance of this alteration is unclear.